The following is an entry in ClinVar:

NM_000535.7(PMS2):c.162_163insAATT (p.Asp55delinsAsnTer)

Gene: PMS2 (PMS1 homolog 2, mismatch repair system component; minus strand). Cytogenetic location: 7p22.1.
Variant type: Insertion.
Coding change: c.162_163insAATT on transcript NM_000535.7 (MANE Select); coding-DNA positions 162 to 163, AATT inserted.
Protein change: p.Asp55delinsAsnTer.
Molecular consequence: nonsense. On other transcripts: 5 prime UTR variant (8), non-coding transcript variant (1), intron variant (3).
Genome position: GRCh38 VCF-style: chr7-6005892-C-CAATT. GRCh37 (hg19) VCF-style: chr7-6045523-C-CAATT.
Other names: c.-244_-243insAATT (NM_001322003.2, NM_001322005.2, NM_001322009.2 and 1 more transcripts); c.162_163insAATT, p.Asp55delinsAsnTer (NM_001322006.2, NM_001322014.2); c.-54_-53insAATT (NM_001322007.2); c.-723_-722insAATT (NM_001322011.2, NM_001322012.2); c.-323_-322insAATT (NM_001322015.2); c.-52-1835_-52-1834insATTA (NM_001322008.2); c.-242-1835_-242-1834insATTA (NM_001322010.2, NM_001322004.2).
Identifiers: ClinVar variation 484246 (VCV000484246.14), dbSNP rs1554306288, ClinGen allele CA658657658.

ClinVar aggregate classification (germline): Pathogenic/Likely pathogenic. Review status: criteria provided, multiple submitters, no conflicts (2 of 4 stars). 4 submissions from 4 submitters: Pathogenic (3); Likely pathogenic (1). Last evaluated 2026-05-04.

Conditions:
Hereditary nonpolyposis colorectal neoplasms. Identifiers: MedGen C0009405, MeSH D003123.
Hereditary cancer-predisposing syndrome. Also called: Tumor predisposition; Hereditary neoplastic syndrome; Neoplastic Syndromes, Hereditary; Hereditary Cancer Syndrome. Identifiers: Orphanet 140162, MedGen C0027672, MeSH D009386, MONDO:0015356.
Lynch syndrome 4 (LYNCH4). Also called: Hereditary non-polyposis colorectal cancer, type 4; Colorectal cancer, hereditary nonpolyposis, type 4. Identifiers: Orphanet 144, MedGen C1838333, MONDO:0013699, OMIM 614337. Disease mechanism: loss of function.

Submissions (4):

Ambry Genetics
Classification: Pathogenic for Hereditary cancer-predisposing syndrome. Last evaluated: 2026-05-04. Review status: criteria provided, single submitter. Criteria: Ambry Variant Classification Scheme 2023. Collection method: clinical testing. Allele origin: germline.
Comment: The c.162_163insAATT pathogenic mutation, located in coding exon 2 of the PMS2 gene, results from an insertion of 4 nucleotides at position 162, causing a translational frameshift with a predicted alternate stop codon (p.D55Nfs*2). This variant is considered to be rare based on population cohorts in the Genome Aggregation Database (gnomAD). This alteration is expected to result in loss of function by premature protein truncation or nonsense-mediated mRNA decay. As such, this alteration is interpreted as a disease-causing mutation.

Myriad Genetics, Inc.
Classification: Pathogenic for Lynch syndrome 4. Last evaluated: 2024-05-31. Review status: criteria provided, single submitter. Criteria: Myriad Autosomal Dominant, Autosomal Recessive and X-Linked Classification Criteria (2023). Collection method: clinical testing. Allele origin: unknown.
Comment: This variant is considered pathogenic. This variant creates a frameshift predicted to result in premature protein truncation.

Baylor Genetics
Classification: Likely pathogenic for Lynch syndrome 4. Last evaluated: 2023-10-20. Review status: criteria provided, single submitter. Criteria: ACMG Guidelines, 2015. Collection method: clinical testing. Allele origin: unknown.

Labcorp Genetics (formerly Invitae), Labcorp
Classification: Pathogenic for Hereditary nonpolyposis colorectal neoplasms. Last evaluated: 2023-10-16. Review status: criteria provided, single submitter. Criteria: Invitae Variant Classification Sherloc (09022015). Collection method: clinical testing. Allele origin: germline.
Comment: This sequence change creates a premature translational stop signal (p.Asp55Asnfs*2) in the PMS2 gene. It is expected to result in an absent or disrupted protein product. Loss-of-function variants in PMS2 are known to be pathogenic (PMID: 21376568, 24362816). This variant is not present in population databases (gnomAD no frequency). This variant has not been reported in the literature in individuals affected with PMS2-related conditions. ClinVar contains an entry for this variant (Variation ID: 484246). For these reasons, this variant has been classified as Pathogenic.

Literature cited by the submitters: PubMed 21376568 (cited by Labcorp Genetics (formerly Invitae), Labcorp); PubMed 24362816 (cited by Labcorp Genetics (formerly Invitae), Labcorp).